The following is an entry in ClinVar:

NM_001458.5(FLNC):c.3703G>T (p.Val1235Leu)

Gene: FLNC (filamin C; plus strand). Cytogenetic location: 7q32.1.
Variant type: single nucleotide variant.
Coding change: c.3703G>T on transcript NM_001458.5 (MANE Select); coding-DNA position 3703, G replaced by T.
Protein change: p.Val1235Leu; replaces valine 1235 with leucine.
Molecular consequence: missense variant.
Genome position (GRCh38, 1-based): chr7:128,845,168, G>T. VCF-style: chr7-128845168-G-T. GRCh37 (hg19) VCF-style: chr7-128485222-G-T.
Other names: c.3703G>T, p.Val1235Leu (NM_001127487.2); short protein forms V1235L.
Identifiers: ClinVar variation 2929837 (VCV002929837.4), dbSNP rs1208885010, ClinGen allele CA369197761.

ClinVar aggregate classification (germline): Uncertain significance. Review status: criteria provided, multiple submitters, no conflicts (2 of 4 stars). 2 submissions from 2 submitters: Uncertain significance (2). Last evaluated 2025-09-01.

Conditions:
Hypertrophic cardiomyopathy 26. Also called: Cardiomyopathy, familial hypertrophic, 26. Identifiers: Orphanet 75249, MedGen C4310749, MONDO:0014883, OMIM 617047.
Myofibrillar myopathy 5. Also called: Filaminopathy (type); FILAMINOPATHY, AUTOSOMAL DOMINANT. Identifiers: Orphanet 171445, MedGen C1836050, MONDO:0012289, OMIM 609524.
Distal myopathy with posterior leg and anterior hand involvement. Also called: WILLIAMS DISTAL MYOPATHY. Identifiers: Orphanet 63273, MedGen C3279722, MONDO:0013550, OMIM 614065.
Cardiovascular phenotype. Identifiers: MedGen CN230736.

Submissions (2):

Ambry Genetics
Classification: Uncertain significance for Cardiovascular phenotype. Last evaluated: 2025-09-01. Review status: criteria provided, single submitter. Criteria: Ambry Variant Classification Scheme 2023. Collection method: clinical testing. Allele origin: germline.

Labcorp Genetics (formerly Invitae), Labcorp
Classification: Uncertain significance for Distal myopathy with posterior leg and anterior hand involvement; Myofibrillar myopathy 5; Hypertrophic cardiomyopathy 26. Last evaluated: 2023-09-15. Review status: criteria provided, single submitter. Criteria: Invitae Variant Classification Sherloc (09022015). Collection method: clinical testing. Allele origin: germline.
Comment: Advanced modeling of protein sequence and biophysical properties (such as structural, functional, and spatial information, amino acid conservation, physicochemical variation, residue mobility, and thermodynamic stability) has been performed at Invitae for this missense variant, however the output from this modeling did not meet the statistical confidence thresholds required to predict the impact of this variant on FLNC protein function. In summary, the available evidence is currently insufficient to determine the role of this variant in disease. Therefore, it has been classified as a Variant of Uncertain Significance. This sequence change replaces valine, which is neutral and non-polar, with leucine, which is neutral and non-polar, at codon 1235 of the FLNC protein (p.Val1235Leu). This variant is present in population databases (no rsID available, gnomAD 0.0009%). This variant has not been reported in the literature in individuals affected with FLNC-related conditions.